The following is an entry in ClinVar:

ClinVar aggregate classification (germline): Pathogenic (1 of 4 stars; one submission).

Submission:

Labcorp Genetics (formerly Invitae), Labcorp
Classification: Pathogenic. Last evaluated: 2022-03-17. Review status: criteria provided, single submitter. Criteria: Invitae Variant Classification Sherloc (09022015). Collection method: clinical testing. Allele origin: germline.
Comment: This sequence change creates a premature translational stop signal (p.Gly5383*) in the ADGRV1 gene. It is expected to result in an absent or disrupted protein product. Loss-of-function variants in ADGRV1 are known to be pathogenic (PMID: 19357117, 22135276, 22147658, 26226137, 26667666, 30029497, 32467589). This variant is not present in population databases (gnomAD no frequency). This variant has not been reported in the literature in individuals affected with ADGRV1-related conditions. For these reasons, this variant has been classified as Pathogenic.

Literature cited by the submitters: PubMed 19357117; PubMed 22135276; PubMed 22147658; PubMed 26226137; PubMed 26667666; PubMed 30029497; PubMed 32467589.

NM_032119.4(ADGRV1):c.16147G>T (p.Gly5383Ter)

Gene: ADGRV1 (adhesion G protein-coupled receptor V1; plus strand). Cytogenetic location: 5q14.3.
Variant type: single nucleotide variant.
Coding change: c.16147G>T on transcript NM_032119.4 (MANE Select); coding-DNA position 16147, G replaced by T.
Protein change: p.Gly5383Ter; replaces glycine 5383 with a stop codon.
Molecular consequence: nonsense. On other transcripts: non-coding transcript variant (1).
Genome position (GRCh38, 1-based): chr5:90,815,687, G>T. VCF-style: chr5-90815687-G-T. GRCh37 (hg19) VCF-style: chr5-90111504-G-T.
Other names: short protein forms G5383*.
Identifiers: ClinVar variation 1452343 (VCV001452343.6), dbSNP rs1762827040, ClinGen allele CA360412593.